The following is an entry in ClinVar:

NM_005592.4(MUSK):c.1724T>C (p.Ile575Thr)

Gene: MUSK (muscle associated receptor tyrosine kinase; plus strand). Cytogenetic location: 9q31.3.
Variant type: single nucleotide variant.
Coding change: c.1724T>C on transcript NM_005592.4 (MANE Select); coding-DNA position 1724, T replaced by C.
Protein change: p.Ile575Thr; replaces isoleucine 575 with threonine.
Molecular consequence: missense variant.
Genome position (GRCh38, 1-based): chr9:110,785,664, T>C. VCF-style: chr9-110785664-T-C. GRCh37 (hg19) VCF-style: chr9-113547944-T-C.
Other names: c.1466T>C, p.Ile489Thr (NM_001166280.2); c.1436T>C, p.Ile479Thr (NM_001166281.2); c.464T>C, p.Ile155Thr (NM_001369398.1); short protein forms I575T, I155T, I489T, I479T.
Identifiers: ClinVar variation 190467 (VCV000190467.14), dbSNP rs751889864, ClinGen allele CA5184434.
Genomic context (GRCh38, chr9:110,785,664, plus strand): 5'-AGAGGATGCCGCTCCTTCTGAACCCCAAATTGCTCAGCCTGGAGTATCCAAGGAATAACA[T>C]TGAATATGTGAGAGACATCGGAGAGGGAGCGTTTGGAAGGGTGTTTCAAGCAAGGTAAAG-3'
Protein context (NP_005583.1, residues 565-585): LLSLEYPRNN[Ile575Thr]EYVRDIGEGA

ClinVar aggregate classification (germline): Pathogenic/Likely pathogenic. Review status: criteria provided, multiple submitters, no conflicts (2 of 4 stars). 7 submissions from 6 submitters: Pathogenic (2); Likely pathogenic (2). 3 of the submissions do not count toward it. Last evaluated 2025-02-17.

Conditions:
Congenital myasthenic syndrome 9. Also called: Myasthenic syndrome, congenital, 9, associated with acetylcholine receptor deficiency. Identifiers: Orphanet 590, MedGen C4225368, MONDO:0014587, OMIM 616325.
Fetal akinesia deformation sequence 1 (FADS1). Also called: Fetal akinesia sequence; Pena-Shokeir syndrome type I. Identifiers: Orphanet 994, MedGen C1276035, MONDO:0100101, OMIM 208150, HP:0001989.
Bilateral ptosis. Identifiers: MedGen C1865916, HP:0001488.
Respiratory insufficiency. Identifiers: MedGen C0035229, HP:0002093.
Stridor. Identifiers: MedGen C0038450, HP:0010307.
Delayed gross motor development. Identifiers: MedGen C1837658, HP:0002194.

Allele frequency attached by ClinVar (database versions not stated): gnomAD exomes 0.00001; gnomAD 0.00002; TOPMed below 0.00001.
gnomAD v4.1: 19 of 1,612,704 alleles (0.0012%); highest among the groups gnomAD compares: South Asian, 0.0033%; no homozygotes.

Submissions (7):

Labcorp Genetics (formerly Invitae), Labcorp
Classification: Pathogenic for Congenital myasthenic syndrome 9; Fetal akinesia deformation sequence 1. Last evaluated: 2025-02-17. Review status: criteria provided, single submitter. Criteria: Invitae Variant Classification Sherloc (09022015). Collection method: clinical testing. Allele origin: germline.
Comment: This sequence change replaces isoleucine, which is neutral and non-polar, with threonine, which is neutral and polar, at codon 575 of the MUSK protein (p.Ile575Thr). This variant is present in population databases (rs751889864, gnomAD 0.003%). This missense change has been observed in individuals with fetal akinesia deformation sequence (PMID: 25537362, 31974414). It has also been observed to segregate with disease in related individuals. ClinVar contains an entry for this variant (Variation ID: 190467). Invitae Evidence Modeling of protein sequence and biophysical properties (such as structural, functional, and spatial information, amino acid conservation, physicochemical variation, residue mobility, and thermodynamic stability) indicates that this missense variant is expected to disrupt MUSK protein function with a positive predictive value of 80%. For these reasons, this variant has been classified as Pathogenic.

Pittsburgh Clinical Genomics Laboratory, University of Pittsburgh Medical Center
Classification: Pathogenic for Fetal akinesia deformation sequence 1. Last evaluated: 2024-03-01. Review status: criteria provided, single submitter. Criteria: ACMG Guidelines, 2015. Collection method: clinical testing. Allele origin: germline. Inheritance: Autosomal recessive inheritance. Affected: yes.
Comment: This sequence variant is a single nucleotide substitution (T>C) at position 1724 of the coding sequence of the MUSK gene that results in an isoleucine to threonine amino acid change at residue 575 of the muscle associated receptor tyrosine kinase protein. This residue falls in the intracellular domain which plays a critical role in muscle associated receptor tyrosine kinase's signaling and acetylcholine receptor clustering (PMID: 25537362). This is a previously reported variant (ClinVar 190467) that has been observed in heterozygous individuals and fetuses affected by a fetal akinesia deformation sequence and/or a congenital myasthenic syndrome (PMID: 32070632, 28518170). While in the homozygous state, this variant has been observed to segregate with a fetal akinesia deformation sequence in 14 fetuses across an 11-generation pedigree. This variant is present in 19 of 1612704 alleles (0.0012%) in the gnomAD v4.0.0 population dataset. Multiple bioinformatic tools predict that this amino acid change would be damaging, and the Ile575 residue at this position is highly conserved across the vertebrate species examined. A functional study of myocytes derived from fetuses homozygous found that this variant significantly disrupted the neuromuscular synapse (PMID: 25537362). Based upon the evidence, we consider this variant to be pathogenic. ACMG Criteria: PM2, PP1, PP3, PS3

Centre for Mendelian Genomics, University Medical Centre Ljubljana
Classification: Likely pathogenic for Fetal akinesia deformation sequence 1. Last evaluated: 2016-01-01. Review status: criteria provided, single submitter. Criteria: ACMG Guidelines, 2015. Collection method: clinical testing. Allele origin: unknown. Affected: yes.
Comment: This variant was classified as: Likely pathogenic.

Centre for Mendelian Genomics, University Medical Centre Ljubljana
Classification: Likely pathogenic for Bilateral ptosis; Delayed gross motor development; Respiratory insufficiency; Stridor. Last evaluated: 2014-06-06. Review status: criteria provided, single submitter. Criteria: ACMG Guidelines, 2015. Collection method: clinical testing. Allele origin: unknown. Affected: yes.

OMIM
Classification: Pathogenic for FETAL AKINESIA DEFORMATION SEQUENCE 1. Last evaluated: 2014-12-24. Review status: no assertion criteria provided. Collection method: literature only. Allele origin: germline. Not counted in ClinVar's aggregate classification.

Genome Diagnostics Laboratory, Amsterdam University Medical Center
Classification: Pathogenic. Review status: no assertion criteria provided. Collection method: clinical testing. Allele origin: germline. Affected: yes. Study: VKGL Data-share Consensus. Not counted in ClinVar's aggregate classification.

Joint Genome Diagnostic Labs from Nijmegen and Maastricht, Radboudumc and MUMC+
Classification: Pathogenic. Review status: no assertion criteria provided. Collection method: clinical testing. Allele origin: germline. Affected: yes. Study: VKGL Data-share Consensus. Not counted in ClinVar's aggregate classification.

Literature cited by the submitters: PubMed 25537362 (cited by 3 submitters); PubMed 31974414 (cited by Labcorp Genetics (formerly Invitae), Labcorp); PubMed 32070632 (cited by Pittsburgh Clinical Genomics Laboratory, University of Pittsburgh Medical Center); PubMed 28518170 (cited by Pittsburgh Clinical Genomics Laboratory, University of Pittsburgh Medical Center).